The following is an entry in ClinVar:

ClinVar aggregate classification (germline): Uncertain significance (1 of 4 stars; one submission).

Conditions:
Spinocerebellar ataxia type 42. Identifiers: Orphanet 458803, MedGen C4225205, MONDO:0014776, OMIM 616795.

Submission:

3billion
Classification: Uncertain significance for Spinocerebellar ataxia type 42. Last evaluated: 2025-12-15. Review status: criteria provided, single submitter. Criteria: ACMG Guidelines, 2015. Collection method: clinical testing. Allele origin: germline. Affected: yes.
Comment: The variant is not observed in the gnomAD v4.1.0 dataset. Predicted Consequence/Location: Missense variant. Missense changes are a common disease-causing mechanism. In silico tool predictions suggest damaging effect of the variant on gene or gene product [REVEL: 0.96 (>=0.6, sensitivity 0.68 and specificity 0.92); 3Cnet: 0.99 (> 0.75, sensitivity 0.96 and precision 0.92)]. Different missense changes at the same codon have been reported as of uncertain significance (ClinVar ID: VCV000623933; 3billion dataset). However, the evidence of pathogenicity is insufficient at this time. Therefore, this variant is classified as VUS according to the recommendation of ACMG/AMP guideline.

NM_018896.5(CACNA1G):c.593G>T (p.Arg198Leu)

Gene: CACNA1G (calcium voltage-gated channel subunit alpha1 G; plus strand). Cytogenetic location: 17q21.33.
Variant type: single nucleotide variant.
Coding change: c.593G>T on transcript NM_018896.5 (MANE Select); coding-DNA position 593, G replaced by T.
Protein change: p.Arg198Leu; replaces arginine 198 with leucine.
Molecular consequence: missense variant. On other transcripts: non-coding transcript variant (5).
Genome position (GRCh38, 1-based): chr17:50,571,884, G>T. VCF-style: chr17-50571884-G-T. GRCh37 (hg19) VCF-style: chr17-48649245-G-T.
Other names: c.593G>T, p.Arg198Leu (NM_198384.3, NM_198385.3, NM_198386.3 and 24 more transcripts); short protein forms R198L.
Identifiers: ClinVar variation 4855576 (VCV004855576.1).